The following is an entry in ClinVar:

ClinVar aggregate classification (germline): Likely pathogenic (1 of 4 stars; one submission).

Conditions:
Intellectual disability-severe speech delay-mild dysmorphism syndrome (IDDLA). Also called: Intellectual developmental disorder with language impairment AND with or without autistic features; FOXP1 Syndrome; Mental retardation with language impairment and autistic features. Identifiers: Orphanet 391372, MedGen C4013764, MONDO:0013352, OMIM 613670.

Submission:

Juno Genomics, Hangzhou Juno Genomics, Inc
Classification: Likely pathogenic for Intellectual disability-severe speech delay-mild dysmorphism syndrome. Review status: criteria provided, single submitter. Criteria: ACMG Guidelines, 2015. Collection method: clinical testing. Allele origin: germline. Affected: yes.
Comment: Absent from controls (or at extremely low frequency if recessive) in Genome Aggregation Database, Exome Sequencing Project, 1000 Genomes Project, or Exome Aggregation Consortium.;De novo (both maternity and paternity confirmed) in a patient with the disease and no family history.;Multiple lines of computational evidence support a deleterious effect on the gene or gene product (conservation, evolutionary, splicing impact, etc).;Patient's phenotype or family history is highly specific for a disease with a single genetic etiology.

NM_001349338.3(FOXP1):c.1595C>T (p.Ala532Val)

Gene: FOXP1 (forkhead box P1; minus strand). Cytogenetic location: 3p13.
Variant type: single nucleotide variant.
Coding change: c.1595C>T on transcript NM_001349338.3 (MANE Select); coding-DNA position 1595, C replaced by T.
Protein change: p.Ala532Val; replaces alanine 532 with valine.
Molecular consequence: missense variant. On other transcripts: non-coding transcript variant (2), intron variant (1).
Genome position (GRCh38, 1-based): chr3:70,972,612, G>A on the plus strand (C>T on the coding strand, the complement: FOXP1 is on the minus strand). VCF-style: chr3-70972612-G-A. GRCh37 (hg19) VCF-style: chr3-71021763-G-A.
Other names: c.1592C>T, p.Ala531Val (NM_001244808.3, NM_001349341.3); c.1367C>T, p.Ala456Val (NM_001244812.3); c.1295C>T, p.Ala432Val (NM_001244813.3, NM_001244815.2, NM_001349342.3); c.1595C>T, p.Ala532Val (NM_001244814.3, NM_001244816.2, NM_001349340.3 and 1 more transcripts); c.1292C>T, p.Ala431Val (NM_001349337.2, NM_001349343.3, NM_001349344.3 and 1 more transcripts); c.1531-432C>T (NM_001244810.2); short protein forms A431V, A432V, A456V, A531V, A532V.
Identifiers: ClinVar variation 3382889 (VCV003382889.2).
Genomic context (GRCh38, chr3:70,972,612, plus strand): 5'-TACCCACTGATCTTTTGTGGCCTTCGTTTTTGGAATTCTACTTCATCCACTGTCCATACT[G>A]CCCCTTTAACGTTTTCTACTCGCACAAAACACTTGTGAAGACTAAGATTATGACGCACTG-3'
Protein context (NP_001336267.1, residues 522-542): CFVRVENVKG[Ala532Val]VWTVDEVEFQ